The following is an entry in ClinVar:

ClinVar aggregate classification (germline): Uncertain significance (1 of 4 stars; one submission).

Conditions:
Mucopolysaccharidosis, MPS-III-A (MPS3A). Also called: Mucopolysaccharidosis, type IIIA; mucopolysaccharidosis type 3A; MPS IIIA (Sanfilippo Syndrome Type A); HEPARAN SULFATE SULFATASE DEFICIENCY; Mucopolysaccharidosis type IIIA (Sanfilippo A); SANFILIPPO SYNDROME A. Identifiers: Orphanet 581, Orphanet 79269, MedGen C0086647, MONDO:0009655, OMIM 252900.

gnomAD v4.1: 1 of 1,599,220 alleles (0.000063%); no homozygotes.

Submission:

Labcorp Genetics (formerly Invitae), Labcorp
Classification: Uncertain significance for Mucopolysaccharidosis, MPS-III-A. Last evaluated: 2021-08-14. Review status: criteria provided, single submitter. Criteria: Invitae Variant Classification Sherloc (09022015). Collection method: clinical testing. Allele origin: germline.
Comment: This sequence change replaces aspartic acid with glutamic acid at codon 32 of the SGSH protein (p.Asp32Glu). The aspartic acid residue is highly conserved and there is a small physicochemical difference between aspartic acid and glutamic acid. This variant is not present in population databases (ExAC no frequency). This variant has been observed in individual(s) with mucopolysaccharidosis type III (PMID: 18407553). Algorithms developed to predict the effect of missense changes on protein structure and function are either unavailable or do not agree on the potential impact of this missense change (SIFT: "Deleterious"; PolyPhen-2: "Probably Damaging"; Align-GVGD: "Class C0"). This variant disrupts the p.Asp32 amino acid residue in SGSH. Other variant(s) that disrupt this residue have been observed in individuals with SGSH-related conditions (PMID: 11182930), which suggests that this may be a clinically significant amino acid residue. In summary, the available evidence is currently insufficient to determine the role of this variant in disease. Therefore, it has been classified as a Variant of Uncertain Significance.

Literature cited by the submitters: PubMed 18407553; PubMed 11182930.

NM_000199.5(SGSH):c.96C>A (p.Asp32Glu)

Gene: SGSH (N-sulfoglucosamine sulfohydrolase; minus strand). Cytogenetic location: 17q25.3.
Variant type: single nucleotide variant.
Coding change: c.96C>A on transcript NM_000199.5 (MANE Select); coding-DNA position 96, C replaced by A.
Protein change: p.Asp32Glu; replaces aspartic acid 32 with glutamic acid.
Molecular consequence: missense variant. On other transcripts: non-coding transcript variant (1).
Genome position (GRCh38, 1-based): chr17:80,217,185, G>T on the plus strand (C>A on the coding strand, the complement: SGSH is on the minus strand). VCF-style: chr17-80217185-G-T. GRCh37 (hg19) VCF-style: chr17-78190984-G-T.
Other names: c.96C>A, p.Asp32Glu (NM_001352921.3, NM_001352922.2); short protein forms D32E.
Identifiers: ClinVar variation 1391072 (VCV001391072.5), dbSNP rs139850991, ClinGen allele CA294900094.